The following is an entry in ClinVar:

NM_004385.5(VCAN):c.4660G>A (p.Asp1554Asn)

Genes: VCAN (versican; plus strand), VCAN-AS1 (VCAN antisense RNA 1; minus strand). Cytogenetic location: 5q14.3.
Variant type: single nucleotide variant.
Coding change: c.4660G>A on transcript NM_004385.5 (MANE Select); coding-DNA position 4660, G replaced by A.
Protein change: p.Asp1554Asn; replaces aspartic acid 1554 with asparagine.
Molecular consequence: missense variant. On other transcripts: intron variant (2).
Genome position (GRCh38, 1-based): chr5:83,537,663, G>A. VCF-style: chr5-83537663-G-A. GRCh37 (hg19) VCF-style: chr5-82833482-G-A.
Other names: c.1699G>A, p.Asp567Asn (NM_001164097.2); c.4004-7874G>A (NM_001164098.2); c.1043-7874G>A (NM_001126336.3); short protein forms D1554N, D567N.
Identifiers: ClinVar variation 1418345 (VCV001418345.7), dbSNP rs759634176, ClinGen allele CA3333211.

ClinVar aggregate classification (germline): Conflicting classifications of pathogenicity. Review status: criteria provided, conflicting classifications (1 of 4 stars). 2 submissions from 2 submitters: Uncertain significance (1); Likely benign (1). Last evaluated 2025-10-06.

Allele frequency attached by ClinVar (database versions not stated): ExAC 0.00001; gnomAD exomes 0.00001; gnomAD 0.00005 and 0.00006; TOPMed 0.00005.
gnomAD v4.1: 14 of 1,613,694 alleles (0.00087%); highest among the groups gnomAD compares: African/African-American, 0.017%; no homozygotes.

Submissions (2):

Labcorp Genetics (formerly Invitae), Labcorp
Classification: Uncertain significance. Last evaluated: 2025-10-06. Review status: criteria provided, single submitter. Criteria: Invitae Variant Classification Sherloc (09022015). Collection method: clinical testing. Allele origin: germline.
Comment: This sequence change replaces aspartic acid, which is acidic and polar, with asparagine, which is neutral and polar, at codon 1554 of the VCAN protein (p.Asp1554Asn). This variant is present in population databases (rs759634176, gnomAD 0.02%). This missense change has been observed in individual(s) with retinitis pigmentosa (internal data). ClinVar contains an entry for this variant (Variation ID: 1418345). An algorithm developed to predict the effect of missense changes on protein structure and function outputs the following: PolyPhen-2: "Benign". The asparagine amino acid residue is found in multiple mammalian species, which suggests that this missense change does not adversely affect protein function. In summary, the available evidence is currently insufficient to determine the role of this variant in disease. Therefore, it has been classified as a Variant of Uncertain Significance.

Blueprint Genetics
Classification: Likely benign. Last evaluated: 2020-08-12. Review status: criteria provided, single submitter. Criteria: ACMG Guidelines, 2015. Collection method: clinical testing. Allele origin: germline.